The following is an entry in ClinVar:

ClinVar aggregate classification (germline): Uncertain significance. Review status: criteria provided, multiple submitters, no conflicts (2 of 4 stars). 3 submissions from 3 submitters: Uncertain significance (3). Last evaluated 2025-06-25.

Conditions:
Propionic acidemia (PROP). Also called: HYPERGLYCINEMIA WITH KETOACIDOSIS AND LEUKOPENIA; KETOTIC HYPERGLYCINEMIA; GLYCINEMIA, KETOTIC. Identifiers: Orphanet 35, MedGen C0268579, MONDO:0011628, OMIM 606054, HP:0003571.

Allele frequency attached by ClinVar (database versions not stated): gnomAD exomes 0.00001; TOPMed 0.00001.
gnomAD v4.1: 12 of 1,611,924 alleles (0.00074%); highest among the groups gnomAD compares: Non-Finnish European, 0.00093%; no homozygotes.

Submissions (3):

Women's Health and Genetics/Laboratory Corporation of America, LabCorp
Classification: Uncertain significance. Last evaluated: 2025-06-25. Review status: criteria provided, single submitter. Criteria: LabCorp Variant Classification Summary - May 2015. Collection method: clinical testing. Allele origin: germline.
Comment: Variant summary: PCCA c.1591T>C (p.Ser531Pro) results in a non-conservative amino acid change in the encoded protein sequence. Algorithms developed to predict the effect of missense changes on protein structure and function all suggest that this variant is likely to be disruptive. The variant allele was found at a frequency of 4e-06 in 251206 control chromosomes (gnomAD). c.1591T>C has been observed in individuals affected with Propionic Acidemia (SIlva_2024). These data indicate that the variant may be associated with disease. To our knowledge, no experimental evidence demonstrating an impact on protein function has been reported. The following publication has been ascertained in the context of this evaluation (PMID: 38722054). ClinVar contains an entry for this variant (Variation ID: 1910295). Based on the evidence outlined above, the variant was classified as VUS-possibly pathogenic.

Labcorp Genetics (formerly Invitae), Labcorp
Classification: Uncertain significance for Propionic acidemia. Last evaluated: 2022-08-20. Review status: criteria provided, single submitter. Criteria: Invitae Variant Classification Sherloc (09022015). Collection method: clinical testing. Allele origin: germline.
Comment: This sequence change replaces serine, which is neutral and polar, with proline, which is neutral and non-polar, at codon 531 of the PCCA protein (p.Ser531Pro). This variant is present in population databases (no rsID available, gnomAD 0.0009%). This variant has not been reported in the literature in individuals affected with PCCA-related conditions. Advanced modeling of protein sequence and biophysical properties (such as structural, functional, and spatial information, amino acid conservation, physicochemical variation, residue mobility, and thermodynamic stability) performed at Invitae indicates that this missense variant is expected to disrupt PCCA protein function. In summary, the available evidence is currently insufficient to determine the role of this variant in disease. Therefore, it has been classified as a Variant of Uncertain Significance.

Department of Pathology and Laboratory Medicine, Sinai Health System
Classification: Uncertain significance for Propionic acidemia. Last evaluated: 2022-06-28. Review status: criteria provided, single submitter. Criteria: ACMG Guidelines, 2015. Collection method: research. Allele origin: germline.

Literature cited by the submitters: PubMed 38722054 (cited by Women's Health and Genetics/Laboratory Corporation of America, LabCorp).

NM_000282.4(PCCA):c.1591T>C (p.Ser531Pro)

Gene: PCCA (propionyl-CoA carboxylase subunit alpha; plus strand). Cytogenetic location: 13q32.3.
Variant type: single nucleotide variant.
Coding change: c.1591T>C on transcript NM_000282.4 (MANE Select); coding-DNA position 1591, T replaced by C.
Protein change: p.Ser531Pro; replaces serine 531 with proline.
Molecular consequence: missense variant. On other transcripts: non-coding transcript variant (5).
Genome position (GRCh38, 1-based): chr13:100,340,207, T>C. VCF-style: chr13-100340207-T-C. GRCh37 (hg19) VCF-style: chr13-100992461-T-C.
Other names: c.1513T>C, p.Ser505Pro (NM_001127692.3, NM_001352607.2); c.1591T>C, p.Ser531Pro (NM_001178004.2, NM_001352605.2, NM_001352609.2); c.1447T>C, p.Ser483Pro (NM_001352606.2); c.1369T>C, p.Ser457Pro (NM_001352608.2); c.646T>C, p.Ser216Pro (NM_001352610.2, NM_001352611.2); c.502T>C, p.Ser168Pro (NM_001352612.2); short protein forms S505P, S531P, S168P, S457P, S216P, S483P.
Identifiers: ClinVar variation 1910295 (VCV001910295.4), dbSNP rs1234767035, ClinGen allele CA388696403.